The following is an entry in ClinVar:

ClinVar aggregate classification (germline): Likely pathogenic (1 of 4 stars; one submission).

Conditions:
Microcephalic primordial dwarfism due to ZNF335 deficiency. Also called: Primary autosomal recessive microcephaly 10. Identifiers: Orphanet 329228, MedGen C3554499, MONDO:0014043, OMIM 615095.

gnomAD v4.1: 1 of 1,614,150 alleles (0.000062%); highest among the groups gnomAD compares: Non-Finnish European, 0.000085%; no homozygotes.

Submission:

Juno Genomics, Hangzhou Juno Genomics, Inc
Classification: Likely pathogenic for Microcephalic primordial dwarfism due to ZNF335 deficiency. Review status: criteria provided, single submitter. Criteria: ACMG Guidelines, 2015. Collection method: clinical testing. Allele origin: germline.
Comment: Null variant in a gene where loss of function (LOF) is a known mechanism of disease.;Absent from controls (or at extremely low frequency if recessive) in Genome Aggregation Database.

NM_022095.4(ZNF335):c.1318C>T (p.Arg440Ter)

Gene: ZNF335 (zinc finger protein 335; minus strand). Cytogenetic location: 20q13.12.
Variant type: single nucleotide variant.
Coding change: c.1318C>T on transcript NM_022095.4 (MANE Select); coding-DNA position 1318, C replaced by T.
Protein change: p.Arg440Ter; replaces arginine 440 with a stop codon.
Molecular consequence: nonsense.
Genome position (GRCh38, 1-based): chr20:45,963,775, G>A on the plus strand (C>T on the coding strand, the complement: ZNF335 is on the minus strand). VCF-style: chr20-45963775-G-A. GRCh37 (hg19) VCF-style: chr20-44592414-G-A.
Other names: short protein forms R440*.
Identifiers: ClinVar variation 5006381 (VCV005006381.2).